The following is an entry in ClinVar:

ClinVar aggregate classification (germline): Conflicting classifications of pathogenicity. Review status: criteria provided, conflicting classifications (1 of 4 stars). 3 submissions from 3 submitters: Uncertain significance (2); Likely benign (1). Last evaluated 2025-03-04.

Conditions:
Familial thoracic aortic aneurysm and aortic dissection (TAAD). Also called: Thoracic aortic aneurysms and dissections. Identifiers: Orphanet 91387, MedGen C4707243, MONDO:0019625.
Congenital contractural arachnodactyly (CCA). Also called: Beals-Hecht syndrome; BEALS SYNDROME; Arthrogryposis, distal, type 9. Identifiers: Orphanet 115, MedGen C0220668, MONDO:0007363, OMIM 121050.

Allele frequency attached by ClinVar (database versions not stated): TOPMed below 0.00001; gnomAD exomes 0.00001 and 0.00002; ExAC 0.00004.

Submissions (3):

Ambry Genetics
Classification: Uncertain significance for Familial thoracic aortic aneurysm and aortic dissection. Last evaluated: 2025-03-04. Review status: criteria provided, single submitter. Criteria: Ambry Variant Classification Scheme 2023. Collection method: clinical testing. Allele origin: germline.
Comment: The p.M1337V variant (also known as c.4009A>G), located in coding exon 31 of the FBN2 gene, results from an A to G substitution at nucleotide position 4009. The methionine at codon 1337 is replaced by valine, an amino acid with highly similar properties. This amino acid position is not well conserved in available vertebrate species. In addition, the in silico prediction for this alteration is inconclusive. Based on the available evidence, the clinical significance of this variant remains unclear.

Labcorp Genetics (formerly Invitae), Labcorp
Classification: Likely benign for Congenital contractural arachnodactyly. Last evaluated: 2023-12-19. Review status: criteria provided, single submitter. Criteria: Invitae Variant Classification Sherloc (09022015). Collection method: clinical testing. Allele origin: germline.

GeneDx
Classification: Uncertain significance. Last evaluated: 2021-06-02. Review status: criteria provided, single submitter. Criteria: GeneDx Variant Classification Process June 2021. Collection method: clinical testing. Allele origin: germline. Affected: yes.
Comment: Has not been previously published as pathogenic or benign to our knowledge; Reported in ClinVar as a variant of uncertain significance (ClinVar Variant ID# 213323; Landrum et al., 2016); In silico analysis supports that this missense variant does not alter protein structure/function; Although located in a calcium-binding EGF-like domain of the FBN2 gene, it does not affect a cysteine residue within this domain; cysteine substitutions in the calcium-binding EGF-like domains represent the majority of pathogenic missense changes associated with FBN2-related disorders (Frederic et al., 2009); This variant is associated with the following publications: (PMID: 27535533)

NM_001999.4(FBN2):c.4009A>G (p.Met1337Val)

Gene: FBN2 (fibrillin 2; minus strand). Cytogenetic location: 5q23.3.
Variant type: single nucleotide variant.
Coding change: c.4009A>G on transcript NM_001999.4 (MANE Select); coding-DNA position 4009, A replaced by G.
Protein change: p.Met1337Val; replaces methionine 1337 with valine.
Molecular consequence: missense variant.
Genome position (GRCh38, 1-based): chr5:128,334,809, T>C on the plus strand (A>G on the coding strand, the complement: FBN2 is on the minus strand). VCF-style: chr5-128334809-T-C. GRCh37 (hg19) VCF-style: chr5-127670501-T-C.
Other names: short protein forms M1337V.
Identifiers: ClinVar variation 213323 (VCV000213323.13), dbSNP rs776567929, ClinGen allele CA324230.